The following is an entry in ClinVar:

NM_002755.4(MAP2K1):c.517-253C>T

Gene: MAP2K1 (mitogen-activated protein kinase kinase 1; plus strand). Cytogenetic location: 15q22.31.
Variant type: single nucleotide variant.
Coding change: c.517-253C>T on transcript NM_002755.4 (MANE Select); 253 bases into the intron before coding-DNA position 517, C replaced by T.
Molecular consequence: intron variant.
Genome position (GRCh38, 1-based): chr15:66,444,403, C>T. VCF-style: chr15-66444403-C-T. GRCh37 (hg19) VCF-style: chr15-66736741-C-T.
Identifiers: ClinVar variation 561818 (VCV000561818.1), dbSNP rs6494574, ClinGen allele CA14084306.

ClinVar aggregate classification (germline): Benign (1 of 4 stars; one submission).

Allele frequency attached by ClinVar (database versions not stated): gnomAD 0.30025 and 0.30510; TOPMed 0.30629; 1000 Genomes Project 30x 0.31871; 1000 Genomes Project 0.31969.
gnomAD v4.1: 46,205 of 151,468 alleles (31%); highest among the groups gnomAD compares: Admixed American, 39%; 7,456 homozygotes.

Submission:

GeneDx
Classification: Benign. Last evaluated: 2018-06-14. Review status: criteria provided, single submitter. Criteria: GeneDx Variant Classification (06012015). Collection method: clinical testing. Allele origin: germline. Affected: yes.
Comment: This variant is considered likely benign or benign based on one or more of the following criteria: it is a conservative change, it occurs at a poorly conserved position in the protein, it is predicted to be benign by multiple in silico algorithms, and/or has population frequency not consistent with disease.